The following is an entry in ClinVar:

ClinVar aggregate classification (germline): Uncertain significance (1 of 4 stars; one submission).

Submission:

Women's Health and Genetics/Laboratory Corporation of America, LabCorp
Classification: Uncertain significance. Last evaluated: 2021-08-11. Review status: criteria provided, single submitter. Criteria: LabCorp Variant Classification Summary - May 2015. Collection method: clinical testing. Allele origin: germline.
Comment: Variant summary: OTUD5 c.377_403del27 (p.Ala126_Gly134del) results in an in-frame deletion that is predicted to remove 9 amino acids from the encoded protein. The variant allele was found at a frequency of 5.4e-05 in 111217 control chromosomes, including 1 hemizygote (gnomAD v3.1.1). To our knowledge, no occurrence of c.377_403del27 in individuals affected with Multiple Congenital Anomalies-Neurodevelopmental Syndrome, X-Linked and no experimental evidence demonstrating its impact on protein function have been reported. Another downstream in-frame deletion variant (p.Val161_Gly163del) has been reported to associate with Global developmental delay and multiple congenital anomalies (PMID 33523931). The authors concluded in their study that most of the patient variants were located near or in the catalytic domain of OTUD5 (a.a. 171-358). No clinical diagnostic laboratories have submitted clinical-significance assessments for this variant to ClinVar after 2014. Based on the evidence outlined above, the variant was classified as uncertain significance.

NM_001136157.2(OTUD5):c.377_403del (p.Ala126_Gly134del)

Gene: OTUD5 (OTU deubiquitinase 5; minus strand). Cytogenetic location: Xp11.23.
Variant type: Deletion.
Coding change: c.377_403del on transcript NM_001136157.2 (MANE Select); coding-DNA positions 377 to 403, 27 bases deleted (CCGCGGGCGTGGTGGTGGGTGTGGGTG).
Protein change: p.Ala126_Gly134del.
Molecular consequence: inframe deletion. On other transcripts: intron variant (1).
Genome position (GRCh38, 1-based): chrX:48,957,168-48,957,194, CACCCACACCCACCACCACGCCCGCGG deleted on the plus strand (CCGCGGGCGTGGTGGTGGGTGTGGGTG on the coding strand, the reverse complement: OTUD5 is on the minus strand); deleting any 27 consecutive bases within chrX:48,957,168-48,957,205 gives the same sequence; the c. name uses the placement nearest the transcript's 3' end. VCF-style (leftmost placement, unchanged base first): chrX-48957167-CCACCCACACCCACCACCACGCCCGCGG-C. GRCh37 (hg19) VCF-style: chrX-48814429-CCACCCACACCCACCACCACGCCCGCGG-C.
Other names: c.377_403del, p.Ala126_Gly134del (NM_001136158.2, NM_017602.4); c.-58+1038_-58+1064del (NM_001136159.2).
Identifiers: ClinVar variation 1217238 (VCV001217238.1), dbSNP rs1268568488, ClinGen allele CA641902206.